The following is an entry in ClinVar:

ClinVar aggregate classification (germline): Uncertain significance. Review status: criteria provided, multiple submitters, no conflicts (2 of 4 stars). 4 submissions from 4 submitters: Uncertain significance (4). Last evaluated 2025-06-22.

Conditions:
Hereditary breast ovarian cancer syndrome. Also called: BRCA1- and BRCA2-Associated Hereditary Breast and Ovarian Cancer; Hereditary breast and ovarian cancer syndrome; Hereditary breast and/or ovarian cancer syndrome; Hereditary breast and ovarian cancer; Hereditary breast and ovarian cancer syndrome (HBOC); Breast and ovarian cancer. Identifiers: Orphanet 145, MedGen C0677776, MeSH D061325, MONDO:0003582. Disease mechanism: loss of function.
Hereditary cancer-predisposing syndrome. Also called: Tumor predisposition; Neoplastic Syndromes, Hereditary; Hereditary Cancer Syndrome; Hereditary neoplastic syndrome. Identifiers: Orphanet 140162, MedGen C0027672, MeSH D009386, MONDO:0015356.

Submissions (4):

Labcorp Genetics (formerly Invitae), Labcorp
Classification: Uncertain significance for Hereditary breast ovarian cancer syndrome. Last evaluated: 2025-06-22. Review status: criteria provided, single submitter. Criteria: Invitae Variant Classification Sherloc (09022015). Collection method: clinical testing. Allele origin: germline.
Comment: This variant, c.2196_2198del, results in the deletion of 1 amino acid(s) of the BRCA1 protein (p.Glu733del), but otherwise preserves the integrity of the reading frame. This variant is present in population databases (no rsID available, gnomAD 0.006%). This variant has not been reported in the literature in individuals affected with BRCA1-related conditions. ClinVar contains an entry for this variant (Variation ID: 801064). Experimental studies and prediction algorithms are not available or were not evaluated, and the functional significance of this variant is currently unknown. In summary, the available evidence is currently insufficient to determine the role of this variant in disease. Therefore, it has been classified as a Variant of Uncertain Significance.

GeneDx
Classification: Uncertain significance. Last evaluated: 2024-09-25. Review status: criteria provided, single submitter. Criteria: GeneDx Variant Classification Process June 2021. Collection method: clinical testing. Allele origin: germline. Affected: yes.
Comment: In-frame deletion of 1 amino acid with an unclear effect on protein function; Not observed at significant frequency in large population cohorts (gnomAD); In silico analysis indicates that this variant does not alter protein structure/function; Has not been previously published as pathogenic or benign to our knowledge; Also known as 2315_2318del; This variant is associated with the following publications: (PMID: 15343273)

Ambry Genetics
Classification: Uncertain significance for Hereditary cancer-predisposing syndrome. Last evaluated: 2024-09-05. Review status: criteria provided, single submitter. Criteria: Ambry Variant Classification Scheme 2023. Collection method: clinical testing. Allele origin: germline.
Comment: The c.2196_2198delAGA variant (also known as p.E733del) is located in coding exon 9 of the BRCA1 gene. This variant results from an in-frame AGA deletion at nucleotide positions 2196 to 2198. This results in the in-frame deletion of a glutamic acid at codon 733. This amino acid position is well conserved in available vertebrate species. In addition, this alteration is predicted to be deleterious by in silico analysis (Choi Y et al. PLoS ONE. 2012; 7(10):e46688). Based on the available evidence, the clinical significance of this variant remains unclear.

Quest Diagnostics Nichols Institute San Juan Capistrano
Classification: Uncertain significance. Last evaluated: 2018-11-23. Review status: criteria provided, single submitter. Criteria: Quest Diagnostics criteria. Collection method: clinical testing. Allele origin: germline.

NM_007294.4(BRCA1):c.2193AGA[1] (p.Glu733del)

Gene: BRCA1 (BRCA1 DNA repair associated; minus strand). Cytogenetic location: 17q21.31.
Variant type: Microsatellite.
Coding change: c.2193AGA[1] on transcript NM_007294.4 (MANE Select); one copy of the 3-base unit AGA starting at c.2193; the reference has two copies in a row; one copy, 3 bases deleted; also written c.2196_2198del.
Protein change: p.Glu733del; deletes glutamic acid 733.
Molecular consequence: inframe deletion. On other transcripts: inframe indel (2), intron variant (137).
Genome position (GRCh38, 1-based): chr17:43,093,333-43,093,335, TCT deleted on the plus strand (AGA on the coding strand, the reverse complement: BRCA1 is on the minus strand); deleting any 3 consecutive bases within chr17:43,093,333-43,093,339 gives the same sequence; the position shown is the placement nearest the transcript's 3' end. VCF-style (leftmost placement, unchanged base first): chr17-43093332-CTCT-C. GRCh37 (hg19) VCF-style: chr17-41245349-CTCT-C.
Other names: c.2052AGA[1], p.Glu686del (NM_001407850.1, NM_001407851.1, NM_001407852.1 and 29 more transcripts); c.1980AGA[1], p.Glu662del (NM_001407853.1, NM_001407571.1, NM_001407894.1 and 9 more transcripts); c.2193AGA[1], p.Glu733del (NM_001407859.1, NM_001407854.1, NM_001407858.1 and 30 more transcripts); c.2190AGA[1], p.Glu732del (NM_001407860.1, NM_001407861.1, NM_001407587.1 and 22 more transcripts); c.1992AGA[1], p.Glu666del (NM_001407862.1); c.2196_2198del (NM_007294.3); c.787+1409_787+1411del (NM_001407975.1, NM_001407971.1, NM_001407981.1 and 17 more transcripts); c.790+1406_790+1408del (NM_001408406.1); and 43 more; short protein forms E733del, E686del, E621del, E732del, E565del, E605del, E645del, E663del.
Identifiers: ClinVar variation 801064 (VCV000801064.12), dbSNP rs1167268646, ClinGen allele CA626221304.